The following is an entry in ClinVar:

ClinVar aggregate classification (germline): Uncertain significance. Review status: criteria provided, multiple submitters, no conflicts (2 of 4 stars). 2 submissions from 2 submitters: Uncertain significance (2). Last evaluated 2025-05-05.

Allele frequency attached by ClinVar (database versions not stated): TOPMed below 0.00001; gnomAD exomes 0.00001.
gnomAD v4.1: 5 of 1,613,916 alleles (0.00031%); highest among the groups gnomAD compares: East Asian, 0.0067%; no homozygotes.

Submissions (2):

Women's Health and Genetics/Laboratory Corporation of America, LabCorp
Classification: Uncertain significance. Last evaluated: 2025-05-05. Review status: criteria provided, single submitter. Criteria: LabCorp Variant Classification Summary - May 2015. Collection method: clinical testing. Allele origin: germline.
Comment: Variant summary: ASXL2 c.3553A>G (p.Ser1185Gly) results in a non-conservative amino acid change in the encoded protein sequence. Algorithms developed to predict the effect of missense changes on protein structure and function are either unavailable or do not agree on the potential impact of this missense change. The variant allele was found at a frequency of 4e-06 in 249272 control chromosomes. The available data on variant occurrences in the general population are insufficient to allow any conclusion about variant significance. To our knowledge, no occurrence of c.3553A>G in individuals affected with Shashi-Pena Syndrome and no experimental evidence demonstrating its impact on protein function have been reported. ClinVar contains an entry for this variant (Variation ID: 2902488). Based on the evidence outlined above, the variant was classified as uncertain significance.

Labcorp Genetics (formerly Invitae), Labcorp
Classification: Uncertain significance. Last evaluated: 2023-03-01. Review status: criteria provided, single submitter. Criteria: Invitae Variant Classification Sherloc (09022015). Collection method: clinical testing. Allele origin: germline.
Comment: This sequence change replaces serine, which is neutral and polar, with glycine, which is neutral and non-polar, at codon 1185 of the ASXL2 protein (p.Ser1185Gly). In summary, the available evidence is currently insufficient to determine the role of this variant in disease. Therefore, it has been classified as a Variant of Uncertain Significance. Advanced modeling of protein sequence and biophysical properties (such as structural, functional, and spatial information, amino acid conservation, physicochemical variation, residue mobility, and thermodynamic stability) performed at Invitae indicates that this missense variant is not expected to disrupt ASXL2 protein function. This variant has not been reported in the literature in individuals affected with ASXL2-related conditions. This variant is present in population databases (no rsID available, gnomAD 0.006%).

NM_018263.6(ASXL2):c.3553A>G (p.Ser1185Gly)

Gene: ASXL2 (ASXL transcriptional regulator 2; minus strand). Cytogenetic location: 2p23.3.
Variant type: single nucleotide variant.
Coding change: c.3553A>G on transcript NM_018263.6 (MANE Select); coding-DNA position 3553, A replaced by G.
Protein change: p.Ser1185Gly; replaces serine 1185 with glycine.
Molecular consequence: missense variant.
Genome position (GRCh38, 1-based): chr2:25,742,784, T>C on the plus strand (A>G on the coding strand, the complement: ASXL2 is on the minus strand). VCF-style: chr2-25742784-T-C. GRCh37 (hg19) VCF-style: chr2-25965653-T-C.
Other names: c.3379A>G, p.Ser1127Gly (NM_001369346.1); c.2773A>G, p.Ser925Gly (NM_001369347.1); short protein forms S1127G, S1185G, S925G.
Identifiers: ClinVar variation 2902488 (VCV002902488.4), dbSNP rs1368987596, ClinGen allele CA346078257.